The following is an entry in ClinVar:

ClinVar aggregate classification (germline): Uncertain significance (1 of 4 stars; one submission).

gnomAD v4.1: 5 of 1,198,316 alleles (0.00042%); highest among the groups gnomAD compares: South Asian, 0.0071%; 1 homozygote.

Submission:

Labcorp Genetics (formerly Invitae), Labcorp
Classification: Uncertain significance. Last evaluated: 2025-03-05. Review status: criteria provided, single submitter. Criteria: Invitae Variant Classification Sherloc (09022015). Collection method: clinical testing. Allele origin: germline.
Comment: This sequence change replaces glycine, which is neutral and non-polar, with aspartic acid, which is acidic and polar, at codon 224 of the CHM protein (p.Gly224Asp). This variant is present in population databases (rs754292413, gnomAD 0.01%). This variant has not been reported in the literature in individuals affected with CHM-related conditions. Invitae Evidence Modeling of protein sequence and biophysical properties (such as structural, functional, and spatial information, amino acid conservation, physicochemical variation, residue mobility, and thermodynamic stability) indicates that this missense variant is not expected to disrupt CHM protein function with a negative predictive value of 80%. In summary, the available evidence is currently insufficient to determine the role of this variant in disease. Therefore, it has been classified as a Variant of Uncertain Significance.

NM_000390.4(CHM):c.671G>A (p.Gly224Asp)

Gene: CHM (CHM Rab escort protein; minus strand). Cytogenetic location: Xq21.2.
Variant type: single nucleotide variant.
Coding change: c.671G>A on transcript NM_000390.4 (MANE Select); coding-DNA position 671, G replaced by A.
Protein change: p.Gly224Asp; replaces glycine 224 with aspartic acid.
Molecular consequence: missense variant.
Genome position (GRCh38, 1-based): chrX:85,963,696, C>T on the plus strand (G>A on the coding strand, the complement: CHM is on the minus strand). VCF-style: chrX-85963696-C-T. GRCh37 (hg19) VCF-style: chrX-85218701-C-T.
Other names: c.227G>A, p.Gly76Asp (NM_001320959.1, NM_001362517.1, NM_001362518.2 and 1 more transcripts); short protein forms G224D, G76D.
Identifiers: ClinVar variation 4704017 (VCV004704017.1).